The following is an entry in ClinVar:

ClinVar aggregate classification (germline): Pathogenic (1 of 4 stars; one submission).

Submission:

Labcorp Genetics (formerly Invitae), Labcorp
Classification: Pathogenic. Last evaluated: 2024-05-27. Review status: criteria provided, single submitter. Criteria: Invitae Variant Classification Sherloc (09022015). Collection method: clinical testing. Allele origin: germline.
Comment: This sequence change creates a premature translational stop signal (p.Arg702Glufs*38) in the PHEX gene. While this is not anticipated to result in nonsense mediated decay, it is expected to disrupt the last 48 amino acid(s) of the PHEX protein. This variant is not present in population databases (gnomAD no frequency). This premature translational stop signal has been observed in individual(s) with hypophosphatemic rickets (PMID: 11502829). It has also been observed to segregate with disease in related individuals. This variant disrupts a region of the PHEX protein in which other variant(s) (p.Arg747*) have been determined to be pathogenic (PMID: 9199930, 9768674). This suggests that this is a clinically significant region of the protein, and that variants that disrupt it are likely to be disease-causing. For these reasons, this variant has been classified as Pathogenic.

Literature cited by the submitters: PubMed 11502829; PubMed 9199930; PubMed 9768674.

NM_000444.6(PHEX):c.2104del (p.Arg702fs)

Genes: PHEX (phosphate regulating endopeptidase X-linked; plus strand), PTCHD1-AS (PTCHD1 and PHEX antisense RNA; minus strand). Cytogenetic location: Xp22.11.
Variant type: Deletion.
Coding change: c.2104del on transcript NM_000444.6 (MANE Select); coding-DNA position 2104, one base deleted (C; older notation c.2104delC).
Protein change: p.Arg702fs; shifts the reading frame from arginine 702.
Molecular consequence: frameshift variant. On other transcripts: intron variant (1).
Genome position (GRCh38, 1-based): chrX:22,245,366, C deleted; the last of 3 consecutive C bases (chrX:22,245,364-22,245,366); deleting any one gives the same sequence. VCF-style (leftmost placement, unchanged base first): chrX-22245363-GC-G. GRCh37 (hg19) VCF-style: chrX-22263480-GC-G.
Other names: c.2071-2485del (NM_001282754.2); short protein forms R702fs.
Identifiers: ClinVar variation 3724119 (VCV003724119.2).